The following is an entry in ClinVar:

NM_000051.4(ATM):c.7398A>G (p.Ala2466=)

Genes: ATM (ATM serine/threonine kinase; plus strand), C11orf65 (chromosome 11 open reading frame 65; minus strand). Cytogenetic location: 11q22.3.
Variant type: single nucleotide variant.
Coding change: c.7398A>G on transcript NM_000051.4 (MANE Select); coding-DNA position 7398, A replaced by G.
Protein change: p.Ala2466=; no amino-acid change (alanine 2466 retained).
Molecular consequence: synonymous variant. On other transcripts: intron variant (2).
Genome position (GRCh38, 1-based): chr11:108,330,304, A>G. VCF-style: chr11-108330304-A-G. GRCh37 (hg19) VCF-style: chr11-108201031-A-G.
Other names: c.641-21233T>C (NM_001330368.2); c.*38+4916T>C (NM_001351110.2); c.7398A>G, p.Ala2466= (NM_001351834.2).
Identifiers: ClinVar variation 1675003 (VCV001675003.11), dbSNP rs2136457427, ClinGen allele CA476676900.

ClinVar aggregate classification (germline): Benign/Likely benign. Review status: criteria provided, multiple submitters, no conflicts (2 of 4 stars). 3 submissions from 3 submitters: Benign (1); Likely benign (2). Last evaluated 2025-04-19.

Conditions:
Ataxia-telangiectasia syndrome (AT). Also called: Ataxia telangiectasia (A-T); LOUIS-BAR SYNDROME; Cerebello-oculocutaneous telangiectasia; Immunodeficiency with ataxia telangiectasia; Ataxia-telangiectasia, complementation group D; AT, COMPLEMENTATION GROUP C. Identifiers: Orphanet 100, MedGen C0004135, MONDO:0008840, OMIM 208900.
Hereditary cancer-predisposing syndrome. Also called: Hereditary neoplastic syndrome; Neoplastic Syndromes, Hereditary; Tumor predisposition; Hereditary Cancer Syndrome. Identifiers: Orphanet 140162, MedGen C0027672, MeSH D009386, MONDO:0015356.
Familial cancer of breast. Also called: Hereditary breast cancer; hereditary breast carcinoma; BREAST CANCER, FAMILIAL. Identifiers: Orphanet 227535, MedGen C0346153, MONDO:0016419, OMIM 114480. Disease mechanism: loss of function.

Submissions (3):

Ambry Genetics
Classification: Likely benign for Hereditary cancer-predisposing syndrome. Last evaluated: 2025-04-19. Review status: criteria provided, single submitter. Criteria: Ambry Variant Classification Scheme 2023. Collection method: clinical testing. Allele origin: germline.

Myriad Genetics, Inc.
Classification: Benign for Familial cancer of breast. Last evaluated: 2024-06-13. Review status: criteria provided, single submitter. Criteria: Myriad Autosomal Dominant, Autosomal Recessive and X-Linked Classification Criteria (2023). Collection method: clinical testing. Allele origin: unknown.
Comment: This variant is considered benign. This variant is a silent/synonymous amino acid change and it is not expected to impact splicing.

Labcorp Genetics (formerly Invitae), Labcorp
Classification: Likely benign for Ataxia-telangiectasia syndrome. Last evaluated: 2024-04-22. Review status: criteria provided, single submitter. Criteria: Invitae Variant Classification Sherloc (09022015). Collection method: clinical testing. Allele origin: germline.